The following is an entry in ClinVar:

NM_014363.6(SACS):c.5744_5745del (p.His1915fs)

Gene: SACS (sacsin molecular chaperone; minus strand). Cytogenetic location: 13q12.12.
Variant type: Deletion.
Coding change: c.5744_5745del on transcript NM_014363.6 (MANE Select); coding-DNA positions 5744 to 5745, 2 bases deleted (AT; older notation c.5744_5745delAT).
Protein change: p.His1915fs; shifts the reading frame from histidine 1915.
Molecular consequence: frameshift variant.
Genome position (GRCh38, 1-based): chr13:23,338,131-23,338,132, AT deleted on the plus strand (AT on the coding strand, the reverse complement: SACS is on the minus strand). VCF-style (leftmost placement, unchanged base first): chr13-23338130-CAT-C. GRCh37 (hg19) VCF-style: chr13-23912269-CAT-C.
Other names: c.5303_5304del, p.His1768fs (NM_001278055.2); c.5744_5745del (NM_014363.5); short protein forms H1915fs, H1768fs.
Identifiers: ClinVar variation 371265 (VCV000371265.14), dbSNP rs1057517138, ClinGen allele CA16041630.

ClinVar aggregate classification (germline): Pathogenic/Likely pathogenic. Review status: criteria provided, multiple submitters, no conflicts (2 of 4 stars). 4 submissions from 4 submitters: Pathogenic (1); Likely pathogenic (2). 1 of the submissions does not count toward it. Last evaluated 2022-02-03.

Conditions:
Spastic paraplegia. Identifiers: MedGen C0037772, HP:0001258.
Charlevoix-Saguenay spastic ataxia (SACS). Also called: AUTOSOMAL RECESSIVE SPASTIC ATAXIA OF CHARLEVOIX-SAGUENAY; SPASTIC ATAXIA 6, AUTOSOMAL RECESSIVE; Spastic ataxia of Charlevoix-Saguenay. Identifiers: Orphanet 98, MedGen C1849140, MONDO:0010041, OMIM 270550.

Allele frequency attached by ClinVar (database versions not stated): TOPMed 0.00001.

Submissions (4):

Labcorp Genetics (formerly Invitae), Labcorp
Classification: Pathogenic for Spastic paraplegia. Last evaluated: 2022-02-03. Review status: criteria provided, single submitter. Criteria: Invitae Variant Classification Sherloc (09022015). Collection method: clinical testing. Allele origin: germline.
Comment: This variant is not present in population databases (gnomAD no frequency). For these reasons, this variant has been classified as Pathogenic. This variant disrupts a region of the SACS protein in which other variant(s) (p.Tyr4428*) have been determined to be pathogenic (Invitae). This suggests that this is a clinically significant region of the protein, and that variants that disrupt it are likely to be disease-causing. ClinVar contains an entry for this variant (Variation ID: 371265). This premature translational stop signal has been observed in individual(s) with SACS-related conditions (PMID: 30638817). This sequence change creates a premature translational stop signal (p.His1915Argfs*19) in the SACS gene. While this is not anticipated to result in nonsense mediated decay, it is expected to disrupt the last 2665 amino acid(s) of the SACS protein.

PROSPAX: an integrated multimodal progression  chart in spastic ataxias, Center for Neurology; Hertie-Institute for Clinical Brain Research
Classification: Likely pathogenic for Charlevoix-Saguenay spastic ataxia. Last evaluated: 2022-01-01. Review status: criteria provided, single submitter. Criteria: ACMG Guidelines, 2015. Collection method: research. Allele origin: germline. Affected: yes.
Comment: Variant seen in compound het: [c.12973C>T;c.5744_5745del]

Genome-Nilou Lab
Classification: Likely pathogenic for Charlevoix-Saguenay spastic ataxia. Last evaluated: 2021-09-05. Review status: criteria provided, single submitter. Criteria: ACMG Guidelines, 2015. Collection method: clinical testing. Allele origin: germline. Affected: no.

Counsyl
Classification: Likely pathogenic for Charlevoix-Saguenay spastic ataxia. Last evaluated: 2016-08-09. Review status: no assertion criteria provided. Collection method: clinical testing. Allele origin: unknown. Not counted in ClinVar's aggregate classification.

Literature cited by the submitters: PubMed 30638817 (cited by Labcorp Genetics (formerly Invitae), Labcorp).